The following is an entry in ClinVar:

NM_004006.3(DMD):c.8159G>A (p.Arg2720His)

Gene: DMD (dystrophin; minus strand). Cytogenetic location: Xp21.1.
Variant type: single nucleotide variant.
Coding change: c.8159G>A on transcript NM_004006.3 (MANE Select); coding-DNA position 8159, G replaced by A.
Protein change: p.Arg2720His; replaces arginine 2720 with histidine.
Molecular consequence: missense variant.
Genome position (GRCh38, 1-based): chrX:31,627,731, C>T on the plus strand (G>A on the coding strand, the complement: DMD is on the minus strand). VCF-style: chrX-31627731-C-T. GRCh37 (hg19) VCF-style: chrX-31645848-C-T.
Other names: c.8135G>A, p.Arg2712His (NM_000109.4); c.8147G>A, p.Arg2716His (NM_004009.3); c.7790G>A, p.Arg2597His (NM_004010.3); c.4136G>A, p.Arg1379His (NM_004011.4); c.4127G>A, p.Arg1376His (NM_004012.4); c.779G>A, p.Arg260His (NM_004013.3, NM_004020.4, NM_004021.3 and 2 more transcripts); short protein forms R2720H, R2597H, R1376H, R260H, R2712H, R1379H, R2716H.
Identifiers: ClinVar variation 409916 (VCV000409916.15), dbSNP rs760495223, ClinGen allele CA10378135.
Genomic context (GRCh38, chrX:31,627,731, plus strand): 5'-ACTTGCCATTGTTTCATCAGCTCTTTTACTCCCTTGGAGTCTTCTAGGAGCCTTTCCTTA[C>T]GGGTAGCATCCTGTAGGACATTGGCAGTTGTTTCAGCTTCTGTAAGCCAGGCAAGAAACT-3'
Protein context (NP_003997.2, residues 2710-2730): TTANVLQDAT[Arg2720His]KERLLEDSKG

ClinVar aggregate classification (germline): Likely benign. Review status: criteria provided, multiple submitters, no conflicts (2 of 4 stars). 4 submissions from 4 submitters: Likely benign (3). 1 of the submissions does not count toward it. Last evaluated 2025-12-08.

Conditions:
Becker muscular dystrophy (BMD). Also called: MUSCULAR DYSTROPHY, PSEUDOHYPERTROPHIC PROGRESSIVE, BECKER TYPE; Becker Muscular Dystrophy (BMD). Identifiers: Orphanet 98895, MedGen C0917713, MONDO:0010311, OMIM 300376.
Cardiomyopathy (CMYO). Also called: Cardiomyopathies. Identifiers: Orphanet 167848, MedGen C0878544, MONDO:0004994, HP:0001638. Inheritance: Various modes of inheritance.
Duchenne muscular dystrophy (DMD). Also called: MUSCULAR DYSTROPHY, PSEUDOHYPERTROPHIC PROGRESSIVE, DUCHENNE TYPE; Duchenne Muscular Dystrophy (DMD). Identifiers: Orphanet 98896, MedGen C0013264, MONDO:0010679, OMIM 310200.
Dystrophin deficiency.
Cardiovascular phenotype. Identifiers: MedGen CN230736.

Allele frequency attached by ClinVar (database versions not stated): ExAC 0.00001; gnomAD exomes 0.00002 and 0.00003; gnomAD 0.00005; TOPMed 0.00006.
gnomAD v4.1: 22 of 1,209,456 alleles (0.0018%); highest among the groups gnomAD compares: African/African-American, 0.0053%; no homozygotes.

Submissions (4):

Labcorp Genetics (formerly Invitae), Labcorp
Classification: Likely benign for Duchenne muscular dystrophy. Last evaluated: 2025-12-08. Review status: criteria provided, single submitter. Criteria: Invitae Variant Classification Sherloc (09022015). Collection method: clinical testing. Allele origin: germline.

Women's Health and Genetics/Laboratory Corporation of America, LabCorp
Classification: Likely benign. Last evaluated: 2025-01-23. Review status: criteria provided, single submitter. Criteria: LabCorp Variant Classification Summary - May 2015. Collection method: clinical testing. Allele origin: germline.
Comment: Variant summary: DMD c.8159G>A (p.Arg2720His) results in a non-conservative amino acid change in the encoded protein sequence. Four of five in-silico tools predict a benign effect of the variant on protein function. The variant allele was found at a frequency of 1.8e-05 in 1209456 control chromosomes, including 6 hemizygotes. The observed variant frequency is approximately 1.65 fold of the estimated maximal expected allele frequency for a pathogenic variant in DMD causing Dystrophinopathies phenotype (1.1e-05). To our knowledge, no occurrence of c.8159G>A in individuals affected with Dystrophinopathies and no experimental evidence demonstrating its impact on protein function have been reported. ClinVar contains an entry for this variant (Variation ID: 409916). Based on the evidence outlined above, the variant was classified as likely benign.

Ambry Genetics
Classification: Likely benign for Cardiovascular phenotype. Last evaluated: 2019-09-04. Review status: criteria provided, single submitter. Criteria: Ambry Variant Classification Scheme 2023. Collection method: clinical testing. Allele origin: germline.

Natera, Inc.
Classification: Uncertain significance for Becker muscular dystrophy; Cardiomyopathy; Duchenne muscular dystrophy; Dystrophin deficiency. Last evaluated: 2020-04-20. Review status: no assertion criteria provided. Collection method: clinical testing. Allele origin: germline. Not counted in ClinVar's aggregate classification.